The following is an entry in ClinVar:

ClinVar aggregate classification (germline): Likely benign. Review status: criteria provided, single submitter (1 of 4 stars). 2 submissions from 2 submitters: Likely benign (1). 1 of the submissions does not count toward it. Last evaluated 2023-10-11.

Conditions:
PLXNA2-related disorder. Also called: PLXNA2-related condition.

Allele frequency attached by ClinVar (database versions not stated): gnomAD exomes 0.00003; ExAC 0.00004; gnomAD 0.00004 and 0.00005; TOPMed 0.00004; 1000 Genomes Project 30x 0.00016; 1000 Genomes Project 0.00020.

Submissions (2):

Labcorp Genetics (formerly Invitae), Labcorp
Classification: Likely benign. Last evaluated: 2023-10-11. Review status: criteria provided, single submitter. Criteria: Invitae Variant Classification Sherloc (09022015). Collection method: clinical testing. Allele origin: germline.

PreventionGenetics, part of Exact Sciences
Classification: Likely benign for PLXNA2-related condition. Last evaluated: 2024-01-24. Review status: no assertion criteria provided. Collection method: clinical testing. Allele origin: germline. Not counted in ClinVar's aggregate classification.
Comment: This variant is classified as likely benign based on ACMG/AMP sequence variant interpretation guidelines (Richards et al. 2015 PMID: 25741868, with internal and published modifications).

NM_025179.4(PLXNA2):c.4864+8C>G

Gene: PLXNA2 (plexin A2; minus strand). Cytogenetic location: 1q32.2.
Variant type: single nucleotide variant.
Coding change: c.4864+8C>G on transcript NM_025179.4 (MANE Select); 8 bases into the intron after coding-DNA position 4864, C replaced by G.
Molecular consequence: intron variant.
Genome position (GRCh38, 1-based): chr1:208,034,485, G>C on the plus strand (C>G on the coding strand, the complement: PLXNA2 is on the minus strand). VCF-style: chr1-208034485-G-C. GRCh37 (hg19) VCF-style: chr1-208207830-G-C.
Other names: c.4864+8C>G (NM_025179.3).
Identifiers: ClinVar variation 1610357 (VCV001610357.9), dbSNP rs140375970, ClinGen allele CA1372740.